The following is an entry in ClinVar:

ClinVar aggregate classification (germline): Uncertain significance (1 of 4 stars; one submission).

Conditions:
LAMA2-related muscular dystrophy (LAMA2-RD). Also called: Laminin alpha 2-related dystrophy. Identifiers: MedGen C5679788, MONDO:0100228.

Submission:

Labcorp Genetics (formerly Invitae), Labcorp
Classification: Uncertain significance for LAMA2-related muscular dystrophy. Last evaluated: 2022-01-17. Review status: criteria provided, single submitter. Criteria: Invitae Variant Classification Sherloc (09022015). Collection method: clinical testing. Allele origin: germline.
Comment: In summary, the available evidence is currently insufficient to determine the role of this variant in disease. Therefore, it has been classified as a Variant of Uncertain Significance. Algorithms developed to predict the effect of missense changes on protein structure and function (SIFT, PolyPhen-2, Align-GVGD) all suggest that this variant is likely to be tolerated. ClinVar contains an entry for this variant (Variation ID: 864481). This variant has not been reported in the literature in individuals affected with LAMA2-related conditions. This variant is not present in population databases (gnomAD no frequency). This sequence change replaces lysine, which is basic and polar, with glutamic acid, which is acidic and polar, at codon 536 of the LAMA2 protein (p.Lys536Glu).

NM_000426.4(LAMA2):c.1606A>G (p.Lys536Glu)

Gene: LAMA2 (laminin subunit alpha 2; plus strand). Cytogenetic location: 6q22.33.
Variant type: single nucleotide variant.
Coding change: c.1606A>G on transcript NM_000426.4 (MANE Select); coding-DNA position 1606, A replaced by G.
Protein change: p.Lys536Glu; replaces lysine 536 with glutamic acid.
Molecular consequence: missense variant.
Genome position (GRCh38, 1-based): chr6:129,190,343, A>G. VCF-style: chr6-129190343-A-G. GRCh37 (hg19) VCF-style: chr6-129511488-A-G.
Other names: c.1606A>G, p.Lys536Glu (NM_001079823.2); short protein forms K536E.
Identifiers: ClinVar variation 864481 (VCV000864481.12), dbSNP rs1781459977, ClinGen allele CA365608068.